The following is an entry in ClinVar:

ClinVar aggregate classification (germline): Conflicting classifications of pathogenicity. Review status: criteria provided, conflicting classifications (1 of 4 stars). 2 submissions from 2 submitters: Likely pathogenic (1); Uncertain significance (1). Last evaluated 2022-08-04.

Conditions:
Hereditary cancer-predisposing syndrome. Also called: Neoplastic Syndromes, Hereditary; Hereditary Cancer Syndrome; Tumor predisposition; Hereditary neoplastic syndrome. Identifiers: Orphanet 140162, MedGen C0027672, MeSH D009386, MONDO:0015356.
Ataxia-telangiectasia syndrome (AT). Also called: LOUIS-BAR SYNDROME; Cerebello-oculocutaneous telangiectasia; Immunodeficiency with ataxia telangiectasia; Ataxia-telangiectasia, complementation group D; AT, COMPLEMENTATION GROUP C; Ataxia-telangiectasia, complementation group E. Identifiers: Orphanet 100, MedGen C0004135, MONDO:0008840, OMIM 208900.

Submissions (2):

Ambry Genetics
Classification: Likely pathogenic for Hereditary cancer-predisposing syndrome. Last evaluated: 2022-08-04. Review status: criteria provided, single submitter. Criteria: Ambry Variant Classification Scheme 2023. Collection method: clinical testing. Allele origin: germline.
Comment: The c.8418G>A variant (also known as p.M2806I), located in coding exon 56 of the ATM gene, results from a G to A substitution at nucleotide position 8418. The amino acid change results in methionine to isoleucine at codon 2806, an amino acid with highly similar properties. However, this change occurs in the last base pair of coding exon 56, which makes it likely to have some effect on normal mRNA splicing. This nucleotide position is well conserved in available vertebrate species. In silico splice site analysis predicts that this alteration will weaken the native splice donor site. RNA studies have demonstrated that this alteration results in abnormal splicing in the set of samples tested (Ambry internal data). This amino acid position is not well conserved in available vertebrate species. In addition, this alteration is predicted to be tolerated by in silico analysis. This variant is considered to be rare based on population cohorts in the Genome Aggregation Database (gnomAD). Based on the majority of available evidence to date, this variant is likely to be pathogenic.

Labcorp Genetics (formerly Invitae), Labcorp
Classification: Uncertain significance for Ataxia-telangiectasia syndrome. Last evaluated: 2017-01-03. Review status: criteria provided, single submitter. Criteria: Invitae Variant Classification Sherloc (09022015). Collection method: clinical testing. Allele origin: germline.
Comment: This sequence change replaces methionine with isoleucine at codon 2806 of the ATM protein (p.Met2806Ile). The methionine residue is moderately conserved and there is a small physicochemical difference between methionine and isoleucine. It also falls at the last nucleotide of exon 57 of the ATM coding sequence. This variant is not present in population databases (ExAC no frequency) and has not been reported in the literature in individuals with a ATM-related disease. Nucleotide substitutions within the consensus splice site are relatively common causes of aberrant splicing (PMID: 17576681, 9536098) but according to multiple splice site algorithms this particular variant is not predicted to significantly affect splicing. These predictions have not been confirmed by published functional studies. In summary, this variant is a novel missense change with uncertain impact on protein function and mRNA splicing. It has been classified as a Variant of Uncertain Significance.

Literature cited by the submitters: PubMed 17576681 (cited by Labcorp Genetics (formerly Invitae), Labcorp); PubMed 9536098 (cited by Labcorp Genetics (formerly Invitae), Labcorp).

NM_000051.4(ATM):c.8418G>A (p.Met2806Ile)

Genes: C11orf65 (chromosome 11 open reading frame 65; minus strand), ATM (ATM serine/threonine kinase; plus strand). Cytogenetic location: 11q22.3.
Variant type: single nucleotide variant.
Coding change: c.8418G>A on transcript NM_000051.4 (MANE Select); coding-DNA position 8418, G replaced by A.
Protein change: p.Met2806Ile; replaces methionine 2806 with isoleucine.
Molecular consequence: missense variant. On other transcripts: intron variant (2).
Genome position (GRCh38, 1-based): chr11:108,343,371, G>A. VCF-style: chr11-108343371-G-A. GRCh37 (hg19) VCF-style: chr11-108214098-G-A.
Other names: c.8418G>A, p.Met2806Ile (NM_001351834.2); c.641-34300C>T (NM_001330368.2); c.695-8079C>T (NM_001351110.2); short protein forms M2806I.
Identifiers: ClinVar variation 453730 (VCV000453730.12), dbSNP rs762744146, ClinGen allele CA382516878.
Genomic context (GRCh38, chr11:108,343,371, plus strand): 5'-TGCTCATAAAAGATACAGGCCAAATGATTTCAGTGCCTTTCAGTGCCAAAAGAAAATGAT[G>A]GTGAGTGACACCCAAAATTAAAGGTTATTGTAAGATTATTTAATGGCTTATTAAAGCTGA-3'
Protein context (NP_000042.3, residues 2796-2816): FSAFQCQKKM[Met2806Ile]EVQKKSFEEK